The following is an entry in ClinVar:

NM_000255.4(MMUT):c.1355T>A (p.Met452Lys)

Gene: MMUT (methylmalonyl-CoA mutase; minus strand). Cytogenetic location: 6p12.3.
Variant type: single nucleotide variant.
Coding change: c.1355T>A on transcript NM_000255.4 (MANE Select); coding-DNA position 1355, T replaced by A.
Protein change: p.Met452Lys; replaces methionine 452 with lysine.
Molecular consequence: missense variant.
Genome position (GRCh38, 1-based): chr6:49,448,905, A>T on the plus strand (T>A on the coding strand, the complement: MMUT is on the minus strand). VCF-style: chr6-49448905-A-T. GRCh37 (hg19) VCF-style: chr6-49416618-A-T.
Other names: p.Met452Lys; short protein forms M452K.
Identifiers: ClinVar variation 648963 (VCV000648963.9), dbSNP rs760718889, ClinGen allele CA3846897.
Genomic context (GRCh38, chr6:49,448,905, plus strand): 5'-GCACATTCTTCAATTCGAAGTTTAGGTATTCCCTCAGCTACAGCTTTGGCCATTCCACCC[A>T]TTTCTTCAATTTCATTAATGAGCTAAAAAGAAAAACATTAACAAAACTAAAAGAGAATAT-3'
Protein context (NP_000246.2, residues 442-462): ALKLINEIEE[Met452Lys]GGMAKAVAEG

ClinVar aggregate classification (germline): Uncertain significance. Review status: criteria provided, multiple submitters, no conflicts (2 of 4 stars). 4 submissions from 4 submitters: Uncertain significance (3). 1 of the submissions does not count toward it. Last evaluated 2023-02-07.

Conditions:
Methylmalonic aciduria due to complete methylmalonyl-CoA mutase deficiency.
Methylmalonic aciduria due to methylmalonyl-CoA mutase deficiency (MAMM). Also called: Methylmalonic aciduria, mut type. Identifiers: Orphanet 27, MedGen C1855114, MONDO:0009612, OMIM 251000.

Allele frequency attached by ClinVar (database versions not stated): ExAC 0.00001; gnomAD 0.00002; gnomAD exomes 0.00002 and 0.00005; TOPMed 0.00003.
gnomAD v4.1: 79 of 1,612,416 alleles (0.0049%); highest among the groups gnomAD compares: Non-Finnish European, 0.0066%; no homozygotes.

Submissions (4):

Mayo Clinic Laboratories, Mayo Clinic
Classification: Uncertain significance. Last evaluated: 2023-02-07. Review status: criteria provided, single submitter. Criteria: ACMG Guidelines, 2015. Collection method: clinical testing. Allele origin: germline. Observed: 1 variant allele.

Labcorp Genetics (formerly Invitae), Labcorp
Classification: Uncertain significance. Last evaluated: 2021-09-01. Review status: criteria provided, single submitter. Criteria: Invitae Variant Classification Sherloc (09022015). Collection method: clinical testing. Allele origin: germline.
Comment: This sequence change replaces methionine with lysine at codon 452 of the MUT protein (p.Met452Lys). The methionine residue is highly conserved and there is a moderate physicochemical difference between methionine and lysine. This variant is present in population databases (rs760718889, ExAC 0.001%). This variant has not been reported in the literature in individuals affected with MUT-related conditions. Algorithms developed to predict the effect of missense changes on protein structure and function are either unavailable or do not agree on the potential impact of this missense change (SIFT: "Deleterious"; PolyPhen-2: "Benign"; Align-GVGD: "Class C0"). In summary, the available evidence is currently insufficient to determine the role of this variant in disease. Therefore, it has been classified as a Variant of Uncertain Significance.

Illumina Laboratory Services, Illumina
Classification: Uncertain significance for Methylmalonic aciduria due to methylmalonyl-CoA mutase deficiency. Last evaluated: 2018-01-12. Review status: criteria provided, single submitter. Criteria: ICSL Variant Classification Criteria 13 December 2019. Collection method: clinical testing. Allele origin: germline.

Natera, Inc.
Classification: Uncertain significance for Methylmalonic aciduria due to complete methylmalonyl-CoA mutase deficiency. Last evaluated: 2020-03-05. Review status: no assertion criteria provided. Collection method: clinical testing. Allele origin: germline. Not counted in ClinVar's aggregate classification.